The following is an entry in ClinVar:

NM_001089.3(ABCA3):c.3073G>A (p.Val1025Met)

Gene: ABCA3 (ATP binding cassette subfamily A member 3; minus strand). Cytogenetic location: 16p13.3.
Variant type: single nucleotide variant.
Coding change: c.3073G>A on transcript NM_001089.3 (MANE Select); coding-DNA position 3073, G replaced by A.
Protein change: p.Val1025Met; replaces valine 1025 with methionine.
Molecular consequence: missense variant.
Genome position (GRCh38, 1-based): chr16:2,286,899, C>T on the plus strand (G>A on the coding strand, the complement: ABCA3 is on the minus strand). VCF-style: chr16-2286899-C-T. GRCh37 (hg19) VCF-style: chr16-2336900-C-T.
Other names: short protein forms V1025M.
Identifiers: ClinVar variation 3280323 (VCV003280323.2).
Genomic context (GRCh38, chr16:2,286,899, plus strand): 5'-GGTTGTTGAACAAGGCGTTGACGACCGTGCGCTCTCCCACATCTCTGAAGGACGCTGCCA[C>T]AAGGCACCGCTCATTAAAGCCGCCCCCCTCCACAGAAGCCCTGAAGATCAAGAACTCCTC-3'
Protein context (NP_001080.2, residues 1015-1035): EGGGFNERCL[Val1025Met]AASFRDVGER

ClinVar aggregate classification (germline): Uncertain significance. Review status: criteria provided, multiple submitters, no conflicts (2 of 4 stars). 2 submissions from 2 submitters: Uncertain significance (2). Last evaluated 2025-07-01.

Conditions:
Hereditary pulmonary alveolar proteinosis. Also called: Pulmonary surfactant metabolism dysfunction. Identifiers: Orphanet 264675, MedGen C3711368, MONDO:0012580.

gnomAD v4.1: 29 of 1,613,960 alleles (0.0018%); highest among the groups gnomAD compares: South Asian, 0.0022%; no homozygotes.

Submissions (2):

Labcorp Genetics (formerly Invitae), Labcorp
Classification: Uncertain significance. Last evaluated: 2025-07-01. Review status: criteria provided, single submitter. Criteria: Invitae Variant Classification Sherloc (09022015). Collection method: clinical testing. Allele origin: germline.
Comment: This sequence change replaces valine, which is neutral and non-polar, with methionine, which is neutral and non-polar, at codon 1025 of the ABCA3 protein (p.Val1025Met). This variant is present in population databases (rs764783251, gnomAD 0.0009%). This variant has not been reported in the literature in individuals affected with ABCA3-related conditions. ClinVar contains an entry for this variant (Variation ID: 3280323). Invitae Evidence Modeling of protein sequence and biophysical properties (such as structural, functional, and spatial information, amino acid conservation, physicochemical variation, residue mobility, and thermodynamic stability) indicates that this missense variant is not expected to disrupt ABCA3 protein function with a negative predictive value of 80%. In summary, the available evidence is currently insufficient to determine the role of this variant in disease. Therefore, it has been classified as a Variant of Uncertain Significance.

Ambry Genetics
Classification: Uncertain significance for Hereditary pulmonary alveolar proteinosis. Last evaluated: 2024-03-25. Review status: criteria provided, single submitter. Criteria: Ambry Variant Classification Scheme 2023. Collection method: clinical testing. Allele origin: germline.